The following is an entry in ClinVar:

NM_001098426.2(SMARCD2):c.252G>A (p.Met84Ile)

Gene: SMARCD2 (SWI/SNF related BAF chromatin remodeling complex subunit D2; minus strand). Cytogenetic location: 17q23.3.
Variant type: single nucleotide variant.
Coding change: c.252G>A on transcript NM_001098426.2 (MANE Select); coding-DNA position 252, G replaced by A.
Protein change: p.Met84Ile; replaces methionine 84 with isoleucine.
Molecular consequence: missense variant.
Genome position (GRCh38, 1-based): chr17:63,837,590, C>T on the plus strand (G>A on the coding strand, the complement: SMARCD2 is on the minus strand). VCF-style: chr17-63837590-C-T. GRCh37 (hg19) VCF-style: chr17-61914950-C-T.
Other names: c.27G>A, p.Met9Ile (NM_001330439.1); c.108G>A, p.Met36Ile (NM_001330440.2); short protein forms M9I, M84I, M36I.
Identifiers: ClinVar variation 2089691 (VCV002089691.4), dbSNP rs2511445682, ClinGen allele CA400601741.

ClinVar aggregate classification (germline): Uncertain significance (1 of 4 stars; one submission).

Submission:

Labcorp Genetics (formerly Invitae), Labcorp
Classification: Uncertain significance. Last evaluated: 2023-12-06. Review status: criteria provided, single submitter. Criteria: Invitae Variant Classification Sherloc (09022015). Collection method: clinical testing. Allele origin: germline.
Comment: This sequence change replaces methionine, which is neutral and non-polar, with isoleucine, which is neutral and non-polar, at codon 84 of the SMARCD2 protein (p.Met84Ile). This variant is not present in population databases (gnomAD no frequency). This variant has not been reported in the literature in individuals affected with SMARCD2-related conditions. ClinVar contains an entry for this variant (Variation ID: 2089691). Advanced modeling of protein sequence and biophysical properties (such as structural, functional, and spatial information, amino acid conservation, physicochemical variation, residue mobility, and thermodynamic stability) performed at Invitae indicates that this missense variant is not expected to disrupt SMARCD2 protein function with a negative predictive value of 80%. In summary, the available evidence is currently insufficient to determine the role of this variant in disease. Therefore, it has been classified as a Variant of Uncertain Significance.